The following is an entry in ClinVar:

NM_004448.4(ERBB2):c.2534A>G (p.Asp845Gly)

Gene: ERBB2 (erb-b2 receptor tyrosine kinase 2; plus strand). Cytogenetic location: 17q12.
Variant type: single nucleotide variant.
Coding change: c.2534A>G on transcript NM_004448.4 (MANE Select); coding-DNA position 2534, A replaced by G.
Protein change: p.Asp845Gly; replaces aspartic acid 845 with glycine.
Molecular consequence: missense variant. On other transcripts: non-coding transcript variant (1), intron variant (3).
Genome position (GRCh38, 1-based): chr17:39,725,089, A>G. VCF-style: chr17-39725089-A-G. GRCh37 (hg19) VCF-style: chr17-37881342-A-G.
Other names: c.2444A>G, p.Asp815Gly (NM_001005862.3, NM_001382782.1, NM_001382783.1); c.2489A>G, p.Asp830Gly (NM_001289936.2); c.2534A>G, p.Asp845Gly (NM_001289937.2, NM_001382796.1); c.2651A>G, p.Asp884Gly (NM_001382784.1); c.2636A>G, p.Asp879Gly (NM_001382785.1); c.2615A>G, p.Asp872Gly (NM_001382786.1); c.2609A>G, p.Asp870Gly (NM_001382787.1); c.2564A>G, p.Asp855Gly (NM_001382788.1); and 15 more; short protein forms D830G, D833G, D842G, D845G, D870G, D815G, D831G, D852G.
Identifiers: ClinVar variation 4736809 (VCV004736809.1).

ClinVar aggregate classification (germline): Uncertain significance (1 of 4 stars; one submission).

Submission:

Labcorp Genetics (formerly Invitae), Labcorp
Classification: Uncertain significance. Last evaluated: 2025-08-09. Review status: criteria provided, single submitter. Criteria: Invitae Variant Classification Sherloc (09022015). Collection method: clinical testing. Allele origin: germline.
Comment: This sequence change replaces aspartic acid, which is acidic and polar, with glycine, which is neutral and non-polar, at codon 845 of the ERBB2 protein (p.Asp845Gly). This variant is not present in population databases (gnomAD no frequency). This variant has not been reported in the literature in individuals affected with ERBB2-related conditions. Invitae Evidence Modeling of protein sequence and biophysical properties (such as structural, functional, and spatial information, amino acid conservation, physicochemical variation, residue mobility, and thermodynamic stability) indicates that this missense variant is expected to disrupt ERBB2 protein function with a positive predictive value of 80%. In summary, the available evidence is currently insufficient to determine the role of this variant in disease. Therefore, it has been classified as a Variant of Uncertain Significance.